The following is an entry in ClinVar:

ClinVar aggregate classification (germline): Uncertain significance. Review status: criteria provided, multiple submitters, no conflicts (2 of 4 stars). 2 submissions from 2 submitters: Uncertain significance (2). Last evaluated 2022-12-01.

Conditions:
Inborn genetic diseases. Identifiers: MedGen C0950123, MeSH D030342.

gnomAD v4.1: 4 of 1,614,196 alleles (0.00025%); highest among the groups gnomAD compares: Non-Finnish European, 0.00034%; no homozygotes.

Submissions (2):

Ambry Genetics
Classification: Uncertain significance for Inborn genetic diseases. Last evaluated: 2022-12-01. Review status: criteria provided, single submitter. Criteria: Ambry Variant Classification Scheme 2023. Collection method: clinical testing. Allele origin: germline.

Labcorp Genetics (formerly Invitae), Labcorp
Classification: Uncertain significance. Last evaluated: 2022-09-27. Review status: criteria provided, single submitter. Criteria: Invitae Variant Classification Sherloc (09022015). Collection method: clinical testing. Allele origin: germline.
Comment: This sequence change replaces asparagine, which is neutral and polar, with threonine, which is neutral and polar, at codon 396 of the CDHR1 protein (p.Asn396Thr). This variant is present in population databases (rs145353541, gnomAD 0.003%). This variant has not been reported in the literature in individuals affected with CDHR1-related conditions. ClinVar contains an entry for this variant (Variation ID: 968078). Advanced modeling of protein sequence and biophysical properties (such as structural, functional, and spatial information, amino acid conservation, physicochemical variation, residue mobility, and thermodynamic stability) performed at Invitae indicates that this missense variant is not expected to disrupt CDHR1 protein function. In summary, the available evidence is currently insufficient to determine the role of this variant in disease. Therefore, it has been classified as a Variant of Uncertain Significance.

NM_033100.4(CDHR1):c.1187A>C (p.Asn396Thr)

Gene: CDHR1 (cadherin related family member 1; plus strand). Cytogenetic location: 10q23.1.
Variant type: single nucleotide variant.
Coding change: c.1187A>C on transcript NM_033100.4 (MANE Select); coding-DNA position 1187, A replaced by C.
Protein change: p.Asn396Thr; replaces asparagine 396 with threonine.
Molecular consequence: missense variant.
Genome position (GRCh38, 1-based): chr10:84,208,748, A>C. VCF-style: chr10-84208748-A-C. GRCh37 (hg19) VCF-style: chr10-85968504-A-C.
Other names: c.1187A>C, p.Asn396Thr (NM_001171971.3); c.1187A>C (NM_033100.2); short protein forms N396T.
Identifiers: ClinVar variation 968078 (VCV000968078.8), dbSNP rs145353541, ClinGen allele CA5579878.